The following is an entry in ClinVar:

NM_053025.4(MYLK):c.2975C>G (p.Pro992Arg)

Gene: MYLK (myosin light chain kinase; minus strand). Cytogenetic location: 3q21.1.
Variant type: single nucleotide variant.
Coding change: c.2975C>G on transcript NM_053025.4 (MANE Select); coding-DNA position 2975, C replaced by G.
Protein change: p.Pro992Arg; replaces proline 992 with arginine.
Molecular consequence: missense variant.
Genome position (GRCh38, 1-based): chr3:123,700,493, G>C on the plus strand (C>G on the coding strand, the complement: MYLK is on the minus strand). VCF-style: chr3-123700493-G-C. GRCh37 (hg19) VCF-style: chr3-123419340-G-C.
Other names: c.2447C>G, p.Pro816Arg (NM_001321309.2); c.2768C>G, p.Pro923Arg (NM_053026.4, NM_053028.4); c.2975C>G, p.Pro992Arg (NM_053027.4); short protein forms P816R, P923R, P992R.
Identifiers: ClinVar variation 1798323 (VCV001798323.9), dbSNP rs754488306, ClinGen allele CA069200.
Genomic context (GRCh38, chr3:123,700,493, plus strand): 5'-TTGGAACTCTCCACTGCCTTGGCATTCAGGGTCTCGGCACTGCTGCTGCCATTCTCTGCT[G>C]GTAATTTCTTCTTGCCACCCAGCACTGAGCGAAAATCCGGGGTGGCAGGTTTTGGCGGTG-3'
Protein context (NP_444253.3, residues 982-1002): RSVLGGKKKL[Pro992Arg]AENGSSSAET

ClinVar aggregate classification (germline): Uncertain significance. Review status: criteria provided, multiple submitters, no conflicts (2 of 4 stars). 5 submissions from 5 submitters: Uncertain significance (5). Last evaluated 2025-08-13.

Conditions:
Aortic aneurysm, familial thoracic 7 (AAT7). Also called: AORTIC DISSECTION, FAMILIAL, WITH OR WITHOUT AORTIC ANEURYSM. Identifiers: MedGen C3151077, MONDO:0013418, OMIM 613780.
Megacystis-microcolon-intestinal hypoperistalsis syndrome 1. Identifiers: MedGen C5542316, MONDO:0100354, OMIM 249210.
Familial thoracic aortic aneurysm and aortic dissection (TAAD). Also called: Thoracic aortic aneurysms and dissections. Identifiers: Orphanet 91387, MedGen C4707243, MONDO:0019625.

Allele frequency attached by ClinVar (database versions not stated): ExAC 0.00001; TOPMed 0.00002; gnomAD 0.00003.
gnomAD v4.1: 49 of 1,608,016 alleles (0.003%); highest among the groups gnomAD compares: Non-Finnish European, 0.0039%; no homozygotes.

Submissions (5):

Labcorp Genetics (formerly Invitae), Labcorp
Classification: Uncertain significance for Aortic aneurysm, familial thoracic 7. Last evaluated: 2025-08-13. Review status: criteria provided, single submitter. Criteria: Invitae Variant Classification Sherloc (09022015). Collection method: clinical testing. Allele origin: germline.
Comment: This sequence change replaces proline, which is neutral and non-polar, with arginine, which is basic and polar, at codon 992 of the MYLK protein (p.Pro992Arg). This variant is present in population databases (rs754488306, gnomAD 0.005%). This variant has not been reported in the literature in individuals affected with MYLK-related conditions. ClinVar contains an entry for this variant (Variation ID: 1798323). Invitae Evidence Modeling of protein sequence and biophysical properties (such as structural, functional, and spatial information, amino acid conservation, physicochemical variation, residue mobility, and thermodynamic stability) has been performed for this missense variant. However, the output from this modeling did not meet the statistical confidence thresholds required to predict the impact of this variant on MYLK protein function. In summary, the available evidence is currently insufficient to determine the role of this variant in disease. Therefore, it has been classified as a Variant of Uncertain Significance.

Clinical Genomics Laboratory, Washington University in St. Louis
Classification: Uncertain significance for Aortic aneurysm, familial thoracic 7; Megacystis-microcolon-intestinal hypoperistalsis syndrome 1. Last evaluated: 2025-06-09. Review status: criteria provided, single submitter. Criteria: ACMG Guidelines, 2015. Collection method: clinical testing. Allele origin: germline.
Comment: The MYLK c.2975C>G (p.Pro992Arg) variant, to our knowledge, has not been reported in the medical literature. This variant has been reported in the ClinVar database as a germline variant of uncertain significance by three submitters. This variant is only observed on 6/249,218 alleles in the general population (gnomAD v.2.1.1), indicating it is not a common variant. Computational predictors are uncertain as to the impact of this variant on MYLK function. Due to limited information, and based on ACMG/AMP guidelines for variant interpretation (Richards S et al., PMID: 25741868), the clinical significance of this variant is uncertain at this time.

GeneDx
Classification: Uncertain significance. Last evaluated: 2025-01-13. Review status: criteria provided, single submitter. Criteria: GeneDx Variant Classification Process June 2021. Collection method: clinical testing. Allele origin: germline. Affected: yes.
Comment: In silico analysis supports that this missense variant has a deleterious effect on protein structure/function; Has not been previously published as pathogenic or benign to our knowledge

Ambry Genetics
Classification: Uncertain significance for Familial thoracic aortic aneurysm and aortic dissection. Last evaluated: 2021-10-21. Review status: criteria provided, single submitter. Criteria: Ambry Variant Classification Scheme 2023. Collection method: clinical testing. Allele origin: germline.
Comment: The p.P992R variant (also known as c.2975C>G), located in coding exon 15 of the MYLK gene, results from a C to G substitution at nucleotide position 2975. The proline at codon 992 is replaced by arginine, an amino acid with dissimilar properties. This amino acid position is highly conserved in available vertebrate species. In addition, the in silico prediction for this alteration is inconclusive. Since supporting evidence is limited at this time, the clinical significance of this alteration remains unclear.

Department of Pathology and Laboratory Medicine, Sinai Health System
Classification: Uncertain significance for Megacystis-microcolon-intestinal hypoperistalsis syndrome 1; Aortic aneurysm, familial thoracic 7. Last evaluated: 2021-07-30. Review status: criteria provided, single submitter. Criteria: ACMG Guidelines, 2015. Collection method: research. Allele origin: germline.